The following is an entry in ClinVar:

ClinVar aggregate classification (germline): Uncertain significance (1 of 4 stars; one submission).

Allele frequency attached by ClinVar (database versions not stated): gnomAD 0.00001; gnomAD exomes 0.00001; TOPMed 0.00001; ExAC 0.00003.
gnomAD v4.1: 14 of 1,608,054 alleles (0.00087%); highest among the groups gnomAD compares: Middle Eastern, 0.033%; no homozygotes.

Submission:

Labcorp Genetics (formerly Invitae), Labcorp
Classification: Uncertain significance. Last evaluated: 2023-04-24. Review status: criteria provided, single submitter. Criteria: Invitae Variant Classification Sherloc (09022015). Collection method: clinical testing. Allele origin: germline.
Comment: In summary, the available evidence is currently insufficient to determine the role of this variant in disease. Therefore, it has been classified as a Variant of Uncertain Significance. Algorithms developed to predict the effect of sequence changes on RNA splicing suggest that this variant may disrupt the consensus splice site. This variant has not been reported in the literature in individuals affected with DIP2C-related conditions. This variant is present in population databases (rs756103166, gnomAD 0.01%). This sequence change falls in intron 23 of the DIP2C gene. It does not directly change the encoded amino acid sequence of the DIP2C protein.

NM_014974.3(DIP2C):c.2905-11C>G

Gene: DIP2C (DIP2 acetate--CoA ligase C (putative); minus strand). Cytogenetic location: 10p15.3.
Variant type: single nucleotide variant.
Coding change: c.2905-11C>G on transcript NM_014974.3 (MANE Select); 11 bases into the intron before coding-DNA position 2905, C replaced by G.
Molecular consequence: intron variant.
Genome position (GRCh38, 1-based): chr10:356,517, G>C on the plus strand (C>G on the coding strand, the complement: DIP2C is on the minus strand). VCF-style: chr10-356517-G-C. GRCh37 (hg19) VCF-style: chr10-402457-G-C.
Identifiers: ClinVar variation 2972516 (VCV002972516.3), dbSNP rs756103166, ClinGen allele CA5380252.